The following continues an entry in ClinVar:

NM_000256.3(MYBPC3):c.1928-2A>G

Gene: MYBPC3. ClinVar aggregate classification (germline): Pathogenic. Pathogenic (23).

Submissions 20 to 26 of 26:

Illumina Laboratory Services, Illumina
Classification: Pathogenic for MYBPC3-Related Disorders. Last evaluated: 2018-08-14. Review status: criteria provided, single submitter. Criteria: ICSL Variant Classification Criteria 09 May 2019. Collection method: clinical testing. Allele origin: germline.
Comment: The MYBPC3 c.1928-2A>G variant occurs in a canonical splice site (acceptor) and is therefore predicted to disrupt or distort the normal gene product. The c.1928-2A>G variant has not been observed in individuals with either autosomal dominant dilated cardiomyopathy or left ventricular noncompaction cardiomyopathy. Across a selection of the available literature, the c.1928-2A>G variant has been identified in a heterozygous state in 28 families in which it was found in 82 individuals affected with hypertrophic cardiomyopathy, of whom up to 35 individuals are related, in five individuals with an unknown diagnosis or discrete signs of disease, and in six healthy carriers (Bonne et al. 1995; Charron et al. 1998; Erdmann et al. 2001; Richard et al. 2003; Teirlinck et al. 2012). The c.1928-2A>G variant was shown to segregate with disease in two four-generation French families and in a further 13 families of European origin (Bonne et al. 1995; Richard et al. 2003). One of the studies calculated disease penetrance to be 69% and described the variant as being associated with a mild ventricular hypertrophy (Charron et al. 1998). The c.1928-2A>G variant was absent from 600 control chromosomes and is not found in the 1000 Genomes Project, the Exome Sequencing Project, Exome Aggregation Consortium or the Genome Aggregation Database in a region of good sequence coverage so the variant is presumed to be rare. Analysis of MYBPC3 mRNA from patient lymphoblastoid cell lines showed that the c.1928-2A>G variant results in aberrant splicing, causing the skipping of exon 21 and a frameshift with the introduction of a premature stop codon after amino acid residue 661 (Bonne et al. 1995). Expression of the c.1928-2A>G variant in COS-7 cells revealed accumulation to a level similar to wild type, while in fetal rat cardiomyocytes, the variant accumulated to a level that was approximately two-thirds of wild type. Eleven percent of fetal rat cardiomyocyte cells expressing the variant localized correctly in double stripes in the A-band of the sarcomere, but in a more diffuse pattern compared to wild type (Flavigny et al. 1999). Based on the collective evidence and due to the potential impact of splice acceptor variants, the c.1928-2A>G variant is classified as pathogenic for MYBPC3-related disorders. This variant was observed by ICSL as part of a predisposition screen in an ostensibly healthy population.

Center of Genomic medicine, Geneva, University Hospital of Geneva
Classification: Pathogenic for Hypertrophic cardiomyopathy 4. Last evaluated: 2018-07-06. Review status: criteria provided, single submitter. Criteria: ACMG Guidelines, 2015. Collection method: clinical testing. Allele origin: germline. Affected: yes.

Fulgent Genetics
Classification: Pathogenic for Hypertrophic cardiomyopathy 4; Left ventricular noncompaction 10. Last evaluated: 2017-05-18. Review status: criteria provided, single submitter. Criteria: ACMG Guidelines, 2015. Collection method: clinical testing. Allele origin: unknown.

Center for Medical Genetics Ghent, University of Ghent
Classification: Pathogenic for Hypertrophic cardiomyopathy 4. Last evaluated: 2016-02-09. Review status: criteria provided, single submitter. Criteria: ACMG Guidelines, 2015. Collection method: clinical testing. Allele origin: germline. Affected: yes.
Comment: This variant has not been identified in large population databases (Gnomad, 1000 Genomes, Go NL, Exome Variant Server) and is predicted to have an impact on protein function according to multiple prediction programs. In addition, the variant has been reported previously in individuals with cardiomyopathy. The c.1928-2 A>G variant affects the canonical splice acceptor site of intron 20 and leads to aberrant gene splicing and the introduction of a premature stop codon (PMID: 11499719; PMID: 7493026; PMID: 25031304).

Agnes Ginges Centre for Molecular Cardiology, Centenary Institute
Classification: Pathogenic for Hypertrophic cardiomyopathy. Last evaluated: 2019-12-11. Review status: no assertion criteria provided. Collection method: research. Allele origin: germline. Inheritance: Autosomal dominant inheritance. Affected: yes. Not counted in ClinVar's aggregate classification.
Comment: The MYBPC3 c.1928-2A>G variant has been identified in numerous HCM probands and has been shown to segregate with disease across several reported families (see references). This variant occurs at the canonical acceptor splice site of intron 20 and leads to aberrant splicing and subsequently a premature stop codon (Bonne G., et al 1995; Flavigny J., et al 1999; Erdmann J., et al 2001; Helms AS, et al., 2010). This variant is absent in the Genome Aggregation Database. We have identified this variant in 9 HCM probands. Based on the adapted ACMG guidelines (Kelly MA, et al., 2018) this variant results in loss of function of MYBPC3 (PVS1), has been reported in more than 15 HCM probands (PS4), segregated in multiple families (PP1_Strong) and is rare in the general population (PM2), therefore we classify MYBPC3 c.1928A>G as 'Pathogenic'.

OMIM
Classification: Pathogenic for CARDIOMYOPATHY, FAMILIAL HYPERTROPHIC, 4. Last evaluated: 1995-12-01. Review status: no assertion criteria provided. Collection method: literature only. Allele origin: germline. Not counted in ClinVar's aggregate classification.

Zaffran Lab, Genetics of Cardiac Diseases Laboratory, Marseille Medical Genetics
Classification: Pathogenic for hypertrophic cardiomyopathy. Review status: no assertion criteria provided. Collection method: research. Allele origin: unknown. Affected: yes. Not counted in ClinVar's aggregate classification.

Literature cited by the submitters: PubMed 19574547 (cited by 3 submitters); PubMed 11499719 (cited by 11 submitters); PubMed 16199547 (cited by Labcorp Genetics (formerly Invitae), Labcorp and All of Us Research Program, National Institutes of Health); PubMed 7493026 (cited by 12 submitters); PubMed 12707239 (cited by 7 submitters); PubMed 18409188 (cited by 7 submitters); PubMed 20439259 (cited by 6 submitters); PubMed 20624503 (cited by 5 submitters); PubMed 23140321 (cited by 8 submitters); PubMed 23690394 (cited by 5 submitters); PubMed 24510615 (cited by 7 submitters); PubMed 10610770 (cited by 5 submitters); PubMed 25031304 (cited by 6 submitters); PubMed 12974739 (cited by Victorian Clinical Genetics Services, Murdoch Childrens Research Institute and Women's Health and Genetics/Laboratory Corporation of America, LabCorp); PubMed 27532257 (cited by Victorian Clinical Genetics Services, Murdoch Childrens Research Institute and Agnes Ginges Centre for Molecular Cardiology, Centenary Institute); PubMed 32841044 (cited by Victorian Clinical Genetics Services, Murdoch Childrens Research Institute); PubMed 28615295 (cited by Color Diagnostics, LLC DBA Color Health); PubMed 30297972 (cited by Color Diagnostics, LLC DBA Color Health); PubMed 36291626 (cited by Color Diagnostics, LLC DBA Color Health); PubMed 37821546 (cited by Color Diagnostics, LLC DBA Color Health); PubMed 9503187 (cited by 5 submitters); PubMed 24865491 (cited by Laboratory for Molecular Medicine, Mass General Brigham Personalized Medicine and Agnes Ginges Centre for Molecular Cardiology, Centenary Institute); PubMed 27688314 (cited by Agnes Ginges Centre for Molecular Cardiology, Centenary Institute); PubMed 25351510 (cited by Agnes Ginges Centre for Molecular Cardiology, Centenary Institute).